The following is an entry in ClinVar:

NM_025179.4(PLXNA2):c.290C>A (p.Pro97His)

Gene: PLXNA2 (plexin A2; minus strand). Cytogenetic location: 1q32.2.
Variant type: single nucleotide variant.
Coding change: c.290C>A on transcript NM_025179.4 (MANE Select); coding-DNA position 290, C replaced by A.
Protein change: p.Pro97His; replaces proline 97 with histidine.
Molecular consequence: missense variant.
Genome position (GRCh38, 1-based): chr1:208,217,633, G>T on the plus strand (C>A on the coding strand, the complement: PLXNA2 is on the minus strand). VCF-style: chr1-208217633-G-T. GRCh37 (hg19) VCF-style: chr1-208390978-G-T.
Other names: short protein forms P97H.
Identifiers: ClinVar variation 4997819 (VCV004997819.1).

ClinVar aggregate classification (germline): Uncertain significance (1 of 4 stars; one submission).

Conditions:
PLXNA2-related disorder. Also called: PLXNA2-related condition.

Submission:

PreventionGenetics, part of Exact Sciences
Classification: Uncertain significance for PLXNA2-related condition. Last evaluated: 2025-05-08. Review status: criteria provided, single submitter. Criteria: ACMG Guidelines, 2015. Collection method: clinical testing. Allele origin: germline.
Comment: The PLXNA2 c.290C>A variant is predicted to result in the amino acid substitution p.Pro97His. To our knowledge, this variant has not been reported in the literature or in a large population database (gnomAD), indicating this variant is rare. At this time, the clinical significance of this variant is uncertain due to the absence of conclusive functional and genetic evidence.